The following is an entry in ClinVar:

ClinVar aggregate classification (germline): Conflicting classifications of pathogenicity. Review status: criteria provided, conflicting classifications (1 of 4 stars). 5 submissions from 5 submitters: Uncertain significance (3); Likely benign (1). 1 of the submissions does not count toward it. Last evaluated 2025-11-12.

Conditions:
PLOD3-related disorder. Also called: PLOD3-related condition.
Inborn genetic diseases. Identifiers: MedGen C0950123, MeSH D030342.

Allele frequency attached by ClinVar (database versions not stated): TOPMed 0.00102; gnomAD 0.00092 and 0.00096; 1000 Genomes Project 30x 0.00016; ESP Exome Variant Server 0.00161; gnomAD exomes 0.00066; 1000 Genomes Project 0.00020; ExAC 0.00059.
gnomAD v4.1: 3,055 of 1,613,648 alleles (0.19%); highest among the groups gnomAD compares: Non-Finnish European, 0.25%; 3 homozygotes.

Submissions (5):

GeneDx
Classification: Uncertain significance. Last evaluated: 2025-11-12. Review status: criteria provided, single submitter. Criteria: GeneDx Variant Classification Process June 2021. Collection method: clinical testing. Allele origin: germline.
Comment: In silico analysis suggests that this missense variant does not alter protein structure/function; Has not been previously published as pathogenic or benign to our knowledge

Women's Health and Genetics/Laboratory Corporation of America, LabCorp
Classification: Uncertain significance. Last evaluated: 2023-07-28. Review status: criteria provided, single submitter. Criteria: LabCorp Variant Classification Summary - May 2015. Collection method: clinical testing. Allele origin: germline.
Comment: Variant summary: PLOD3 c.1093G>A (p.Ala365Thr) results in a non-conservative amino acid change in the encoded protein sequence. Three of five in-silico tools predict a benign effect of the variant on protein function. The variant allele was found at a frequency of 0.00066 in 251096 control chromosomes (i.e., 166 heterozygotes and 0 homozygotes; gnomAD v2.1 Exomes dataset). The available data on variant occurrences in the general population are insufficient to allow any conclusion about variant significance. To our knowledge, no occurrence of c.1093G>A in individuals affected with Bone Fragility With Contractures, Arterial Rupture, And Deafness and no experimental evidence demonstrating its impact on protein function have been reported. Two submitters have reported clinical-significance assessments for this variant to ClinVar after 2014. One submitter classified the variant as likely benign, and one submitter classified the variant as uncertain significance. Based on the evidence outlined above, the variant was classified as uncertain significance.

Labcorp Genetics (formerly Invitae), Labcorp
Classification: Uncertain significance. Last evaluated: 2022-09-27. Review status: criteria provided, single submitter. Criteria: Invitae Variant Classification Sherloc (09022015). Collection method: clinical testing. Allele origin: germline.
Comment: This sequence change replaces alanine, which is neutral and non-polar, with threonine, which is neutral and polar, at codon 365 of the PLOD3 protein (p.Ala365Thr). This variant is present in population databases (rs150873622, gnomAD 0.1%), and has an allele count higher than expected for a pathogenic variant. This variant has not been reported in the literature in individuals affected with PLOD3-related conditions. ClinVar contains an entry for this variant (Variation ID: 1462697). Algorithms developed to predict the effect of missense changes on protein structure and function (SIFT, PolyPhen-2, Align-GVGD) all suggest that this variant is likely to be tolerated. In summary, the available evidence is currently insufficient to determine the role of this variant in disease. Therefore, it has been classified as a Variant of Uncertain Significance.

Ambry Genetics
Classification: Likely benign for Inborn genetic diseases. Last evaluated: 2021-12-30. Review status: criteria provided, single submitter. Criteria: Ambry Variant Classification Scheme 2023. Collection method: clinical testing. Allele origin: germline.

PreventionGenetics, part of Exact Sciences
Classification: Uncertain significance for PLOD3-related condition. Last evaluated: 2024-06-19. Review status: no assertion criteria provided. Collection method: clinical testing. Allele origin: germline. Not counted in ClinVar's aggregate classification.
Comment: The PLOD3 c.1093G>A variant is predicted to result in the amino acid substitution p.Ala365Thr. To our knowledge, this variant has not been reported in the literature. This variant is reported in 0.13% of alleles in individuals of European (Non-Finnish) descent in gnomAD, which may be too common to be a primary cause of disease. Although we suspect that this variant may be benign, at this time, the clinical significance of this variant is uncertain due to the absence of conclusive functional and genetic evidence.

NM_001084.5(PLOD3):c.1093G>A (p.Ala365Thr)

Gene: PLOD3 (procollagen-lysine,2-oxoglutarate 5-dioxygenase 3; minus strand). Cytogenetic location: 7q22.1.
Variant type: single nucleotide variant.
Coding change: c.1093G>A on transcript NM_001084.5 (MANE Select); coding-DNA position 1093, G replaced by A.
Protein change: p.Ala365Thr; replaces alanine 365 with threonine.
Molecular consequence: missense variant.
Genome position (GRCh38, 1-based): chr7:101,212,287, C>T on the plus strand (G>A on the coding strand, the complement: PLOD3 is on the minus strand). VCF-style: chr7-101212287-C-T. GRCh37 (hg19) VCF-style: chr7-100855568-C-T.
Other names: c.1093G>A (NM_001084.4); short protein forms A365T.
Identifiers: ClinVar variation 1462697 (VCV001462697.8), dbSNP rs150873622, ClinGen allele CA4407854.
Genomic context (GRCh38, chr7:101,212,287, plus strand): 5'-TCTCCTCCCCGCAAGCACCCGCTCACATGGCCATGTCCCTGGCCTCGCCTGGGCTCAGAG[C>T]CTCCTCCGGCCCCACGAGCTTCACAGCTGAGAAGTGGTCCTGGAGCTGCGGCCAGGAGTC-3'
Protein context (NP_001075.1, residues 355-375): SAVKLVGPEE[Ala365Thr]LSPGEARDMA